The following is an entry in ClinVar:

ClinVar aggregate classification (germline): Uncertain significance. Review status: criteria provided, single submitter (1 of 4 stars). 2 submissions from 2 submitters: Uncertain significance (1). 1 of the submissions does not count toward it. Last evaluated 2024-03-07.

Conditions:
Hereditary breast ovarian cancer syndrome. Also called: Hereditary breast and ovarian cancer syndrome; Hereditary breast and ovarian cancer; Hereditary breast and ovarian cancer syndrome (HBOC); BRCA1- and BRCA2-Associated Hereditary Breast and Ovarian Cancer; Hereditary breast and/or ovarian cancer syndrome; Breast and ovarian cancer. Identifiers: Orphanet 145, MedGen C0677776, MeSH D061325, MONDO:0003582. Disease mechanism: loss of function.

Allele frequency attached by ClinVar (database versions not stated): gnomAD exomes below 0.00001; ExAC 0.00001.

Submissions (2):

Labcorp Genetics (formerly Invitae), Labcorp
Classification: Uncertain significance for Hereditary breast ovarian cancer syndrome. Last evaluated: 2024-03-07. Review status: criteria provided, single submitter. Criteria: Invitae Variant Classification Sherloc (09022015). Collection method: clinical testing. Allele origin: germline.
Comment: This variant, c.4633_4635del, results in the deletion of 1 amino acid(s) of the BRCA2 protein (p.Leu1545del), but otherwise preserves the integrity of the reading frame. This variant is present in population databases (rs775673155, gnomAD 0.003%). This variant has not been reported in the literature in individuals affected with BRCA2-related conditions. ClinVar contains an entry for this variant (Variation ID: 1050109). Experimental studies and prediction algorithms are not available or were not evaluated, and the functional significance of this variant is currently unknown. In summary, the available evidence is currently insufficient to determine the role of this variant in disease. Therefore, it has been classified as a Variant of Uncertain Significance.

Department of Pathology and Laboratory Medicine, Sinai Health System
Classification: Uncertain significance. Review status: no assertion criteria provided. Collection method: clinical testing. Allele origin: unknown. Affected: yes. Study: The Canadian Open Genetics Repository (COGR). Not counted in ClinVar's aggregate classification.
Comment: The BRCA2 p.Leu1545del variant was not identified in the literature nor was it identified in the ClinVar, LOVD 3.0, or UMD-LSDB, databases. The variant was only identified in dbSNP (ID: rs775673155). The variant was identified in control databases in 1 of 245418 chromosomes at a frequency of 0.000004 (Genome Aggregation Database Feb 27, 2017). The variant was observed in the South Asian population in 1 of 30598 chromosomes (freq: 0.00003), while the variant was not observed in the African, Ashkenazi Jewish, East Asian, Finnish, European, Latino, and Other populations. This variant is an in-frame deletion resulting in the removal of a leucine (leu) residue at codon 1545; the impact of this alteration on BRCA2 protein function is not known. In summary, based on the above information the clinical significance of this variant cannot be determined with certainty at this time. This variant is classified as a variant of uncertain significance.

NM_000059.4(BRCA2):c.4633_4635del (p.Leu1545del)

Gene: BRCA2 (BRCA2 DNA repair associated; plus strand). Cytogenetic location: 13q13.1.
Variant type: Deletion.
Coding change: c.4633_4635del on transcript NM_000059.4 (MANE Select); coding-DNA positions 4633 to 4635, 3 bases deleted (CTT; older notation c.4633_4635delCTT).
Protein change: p.Leu1545del; deletes leucine 1545.
Molecular consequence: inframe deletion.
Genome position (GRCh38, 1-based): chr13:32,338,988-32,338,990, CTT deleted. VCF-style (leftmost placement, unchanged base first): chr13-32338987-CCTT-C. GRCh37 (hg19) VCF-style: chr13-32913124-CCTT-C.
Other names: short protein forms L1545del.
Identifiers: ClinVar variation 1050109 (VCV001050109.3), dbSNP rs775673155, ClinGen allele CA6940801.